The following is an entry in ClinVar:

NM_012471.3(TRPC5):c.2503C>T (p.Arg835Cys)

Gene: TRPC5 (transient receptor potential cation channel subfamily C member 5; minus strand). Cytogenetic location: Xq23.
Variant type: single nucleotide variant.
Coding change: c.2503C>T on transcript NM_012471.3 (MANE Select); coding-DNA position 2503, C replaced by T.
Protein change: p.Arg835Cys; replaces arginine 835 with cysteine.
Molecular consequence: missense variant.
Genome position (GRCh38, 1-based): chrX:111,776,732, G>A on the plus strand (C>T on the coding strand, the complement: TRPC5 is on the minus strand). VCF-style: chrX-111776732-G-A. GRCh37 (hg19) VCF-style: chrX-111019960-G-A.
Other names: short protein forms R835C.
Identifiers: ClinVar variation 2518112 (VCV002518112.3), dbSNP rs745527465, ClinGen allele CA10494143.

ClinVar aggregate classification (germline): Uncertain significance. Review status: criteria provided, single submitter (1 of 4 stars). 2 submissions from 2 submitters: Uncertain significance (1). 1 of the submissions does not count toward it. Last evaluated 2023-04-06.

Conditions:
TRPC5-related disorder. Also called: TRPC5-related condition.

Allele frequency attached by ClinVar (database versions not stated): gnomAD exomes 0.00002; gnomAD 0.00005; TOPMed 0.00005; ExAC 0.00009; 1000 Genomes Project 30x 0.00021; 1000 Genomes Project 0.00026.
gnomAD v4.1: 24 of 1,209,917 alleles (0.002%); highest among the groups gnomAD compares: East Asian, 0.062%; no homozygotes.

Submissions (2):

Ambry Genetics
Classification: Uncertain significance. Last evaluated: 2023-04-06. Review status: criteria provided, single submitter. Criteria: Ambry Variant Classification Scheme 2023. Collection method: clinical testing. Allele origin: germline.

PreventionGenetics, part of Exact Sciences
Classification: Likely benign for TRPC5-related condition. Last evaluated: 2023-10-13. Review status: no assertion criteria provided. Collection method: clinical testing. Allele origin: germline. Not counted in ClinVar's aggregate classification.
Comment: This variant is classified as likely benign based on ACMG/AMP sequence variant interpretation guidelines (Richards et al. 2015 PMID: 25741868, with internal and published modifications).